The following is an entry in ClinVar:

NM_000093.5(COL5A1):c.341C>A (p.Ala114Asp)

Gene: COL5A1 (collagen type V alpha 1 chain; plus strand). Cytogenetic location: 9q34.3.
Variant type: single nucleotide variant.
Coding change: c.341C>A on transcript NM_000093.5 (MANE Select); coding-DNA position 341, C replaced by A.
Protein change: p.Ala114Asp; replaces alanine 114 with aspartic acid.
Molecular consequence: missense variant.
Genome position (GRCh38, 1-based): chr9:134,699,972, C>A. VCF-style: chr9-134699972-C-A. GRCh37 (hg19) VCF-style: chr9-137591818-C-A.
Other names: p.A114D:GCC>GAC; c.341C>A, p.Ala114Asp (NM_001278074.1); short protein forms A114D.
Identifiers: ClinVar variation 213010 (VCV000213010.62), dbSNP rs147589613, ClinGen allele CA320310.
Genomic context (GRCh38, chr9:134,699,972, plus strand): 5'-CTGCATTTCCCGAGGACTTCTCCATCCTAACAACTGTGAAAGCCAAGAAAGGCAGCCAGG[C>A]CTTCCTGGTCTCCATCTACAACGAGCAGGGTATCCAGCAGATTGGGCTGGAGCTGGGCCG-3'
Protein context (NP_000084.3, residues 104-124): TTVKAKKGSQ[Ala114Asp]FLVSIYNEQG

ClinVar aggregate classification (germline): Likely benign. Review status: criteria provided, multiple submitters, no conflicts (2 of 4 stars). 15 submissions from 15 submitters: Likely benign (12). 3 of the submissions do not count toward it. Last evaluated 2026-09-01.

Conditions:
Ehlers-Danlos syndrome (EDS). Identifiers: Orphanet 98249, MedGen C0013720, MONDO:0020066.
Ehlers-Danlos syndrome, classic type (cEDS). Identifiers: Orphanet 287, MedGen C4225429, MONDO:0007522.
COL5A1-related disorder. Also called: COL5A1-related condition.
Ehlers-Danlos syndrome, classic type, 1 (EDSCL1). Also called: Ehlers-Danlos syndrome, type 1; EHLERS-DANLOS SYNDROME, GRAVIS TYPE; EHLERS-DANLOS SYNDROME, SEVERE CLASSIC TYPE; Ehlers-Danlos Syndrome, Classic Type, COL5A1-Related; EDS I. Identifiers: MedGen C0268335, MONDO:0019567, OMIM 130000.
Connective tissue disorder. Also called: Connective tissue disease. Identifiers: MedGen C0009782, MONDO:0003900.
Familial thoracic aortic aneurysm and aortic dissection (TAAD). Also called: Thoracic aortic aneurysms and dissections. Identifiers: Orphanet 91387, MedGen C4707243, MONDO:0019625.

Allele frequency attached by ClinVar (database versions not stated): gnomAD exomes 0.00058; ExAC 0.00061; ESP Exome Variant Server 0.00108.
gnomAD v4.1: 1,385 of 1,613,828 alleles (0.086%); highest among the groups gnomAD compares: Non-Finnish European, 0.11%; no homozygotes.

Submissions (15):

CeGaT Center for Human Genetics Tuebingen
Classification: Likely benign. Last evaluated: 2026-09-01. Review status: criteria provided, single submitter. Criteria: CeGaT Center For Human Genetics Tuebingen Variant Classification Criteria Version 2. Collection method: clinical testing. Allele origin: germline. Affected: yes. Observed: 9 variant alleles.
Comment: COL5A1: BS1

Women's Health and Genetics/Laboratory Corporation of America, LabCorp
Classification: Likely benign. Last evaluated: 2026-06-29. Review status: criteria provided, single submitter. Criteria: LabCorp Variant Classification Summary - May 2015. Collection method: clinical testing. Allele origin: germline.
Comment: Variant summary: COL5A1 c.341C>A (p.Ala114Asp) results in a non-conservative amino acid change located in the Lamnin G domain (IPR001791) of the encoded protein sequence. Algorithms developed to predict the effect of missense changes on protein structure and function all suggest that this variant is likely to be disruptive. The variant allele was found at a frequency of 0.00058 in 251324 control chromosomes. The observed variant frequency exceeds the estimated maximal expected allele frequency for disease-causing variants in COL5A1. c.341C>A has been reported in the literature in individuals affected with keratoconus and hereditary palmoplantar keratodermas (examples: Lucas_2018, Harjama_2021). These report(s) do not provide unequivocal conclusions about association of the variant with disease. To our knowledge, no experimental evidence demonstrating an impact on protein function has been reported. The following publications have been ascertained in the context of this evaluation (PMID: 29924831, 33914963). ClinVar contains an entry for this variant (Variation ID: 213010). Based on the evidence outlined above, the variant was classified as likely benign.

Labcorp Genetics (formerly Invitae), Labcorp
Classification: Likely benign for Ehlers-Danlos syndrome, classic type, 1. Last evaluated: 2026-02-04. Review status: criteria provided, single submitter. Criteria: Invitae Variant Classification Sherloc (09022015). Collection method: clinical testing. Allele origin: germline.

Mayo Clinic Laboratories, Mayo Clinic
Classification: Likely benign. Last evaluated: 2025-10-30. Review status: criteria provided, single submitter. Criteria: ACMG Guidelines, 2015. Collection method: clinical testing. Allele origin: germline. Observed: 13 variant alleles.
Comment: BS1, PP3

Molecular Diagnostic Laboratory for Inherited Cardiovascular Disease, Montreal Heart Institute
Classification: Likely benign. Last evaluated: 2025-04-09. Review status: criteria provided, single submitter. Criteria: ACMG Guidelines, 2015. Collection method: clinical testing. Allele origin: germline. Affected: no.
Comment: BS1;BP6

ARUP Laboratories, Molecular Genetics and Genomics, ARUP Laboratories
Classification: Likely benign. Last evaluated: 2024-11-26. Review status: criteria provided, single submitter. Criteria: ARUP Molecular Germline Variant Investigation Process 2024. Collection method: clinical testing. Allele origin: germline.

Blueprint Genetics
Classification: Likely benign. Last evaluated: 2024-11-25. Review status: criteria provided, single submitter. Criteria: ACMG Guidelines, 2015. Collection method: clinical testing. Allele origin: germline.

Genome Diagnostics Laboratory, The Hospital for Sick Children
Classification: Likely benign for Ehlers-Danlos syndrome. Last evaluated: 2021-11-24. Review status: criteria provided, single submitter. Criteria: ACMG Guidelines, 2015. Collection method: clinical testing. Allele origin: germline.

GeneDx
Classification: Likely benign. Last evaluated: 2020-08-07. Review status: criteria provided, single submitter. Criteria: GeneDx Variant Classification Process June 2021. Collection method: clinical testing. Allele origin: germline. Affected: yes.
Comment: This variant is associated with the following publications: (PMID: 29924831, 28550590, 15580559)

Ambry Genetics
Classification: Likely benign for Familial thoracic aortic aneurysm and aortic dissection. Last evaluated: 2019-04-19. Review status: criteria provided, single submitter. Criteria: Ambry Variant Classification Scheme 2023. Collection method: clinical testing. Allele origin: germline.

Center for Human Genetics, Inc
Classification: Likely benign for Connective tissue disorder. Last evaluated: 2018-06-01. Review status: criteria provided, single submitter. Criteria: ACMG Guidelines, 2015. Collection method: clinical testing. Allele origin: germline. Affected: yes.

Illumina Laboratory Services, Illumina
Classification: Likely benign for Ehlers-Danlos syndrome, classic type, 1. Last evaluated: 2018-01-13. Review status: criteria provided, single submitter. Criteria: ICSL Variant Classification Criteria 13 December 2019. Collection method: clinical testing. Allele origin: germline.
Comment: This variant was observed in the ICSL laboratory as part of a predisposition screen in an ostensibly healthy population. It had not been previously curated by ICSL or reported in the Human Gene Mutation Database (HGMD: prior to June 1st, 2018), and was therefore a candidate for classification through an automated scoring system. Utilizing variant allele frequency, disease prevalence and penetrance estimates, and inheritance mode, an automated score was calculated to assess if this variant is too frequent to cause the disease. Based on the score and internal cut-off values, a variant classified as likely benign is not then subjected to further curation. The score for this variant resulted in a classification of likely benign for this disease.

PreventionGenetics, part of Exact Sciences
Classification: Likely benign for COL5A1-related condition. Last evaluated: 2019-03-04. Review status: no assertion criteria provided. Collection method: clinical testing. Allele origin: germline. Not counted in ClinVar's aggregate classification.
Comment: This variant is classified as likely benign based on ACMG/AMP sequence variant interpretation guidelines (Richards et al. 2015 PMID: 25741868, with internal and published modifications).

Genome Diagnostics Laboratory, Amsterdam University Medical Center
Classification: Benign. Review status: no assertion criteria provided. Collection method: clinical testing. Allele origin: germline. Affected: yes. Study: VKGL Data-share Consensus. Not counted in ClinVar's aggregate classification.

Genome Diagnostics Laboratory, University Medical Center Utrecht
Classification: Likely benign. Review status: no assertion criteria provided. Collection method: clinical testing. Allele origin: germline. Affected: yes. Study: VKGL Data-share Consensus. Not counted in ClinVar's aggregate classification.

Literature cited by the submitters: PubMed 29924831 (cited by Women's Health and Genetics/Laboratory Corporation of America, LabCorp and Ambry Genetics); PubMed 33914963 (cited by Women's Health and Genetics/Laboratory Corporation of America, LabCorp); PubMed 15580559 (cited by Ambry Genetics); PubMed 28550590 (cited by Ambry Genetics).